The following is an entry in ClinVar:

ClinVar aggregate classification (germline): Uncertain significance (1 of 4 stars; one submission).

Conditions:
Hereditary cancer-predisposing syndrome. Also called: Tumor predisposition; Neoplastic Syndromes, Hereditary; Hereditary Cancer Syndrome; Hereditary neoplastic syndrome. Identifiers: Orphanet 140162, MedGen C0027672, MeSH D009386, MONDO:0015356.

Submission:

Ambry Genetics
Classification: Uncertain significance for Hereditary cancer-predisposing syndrome. Last evaluated: 2024-10-25. Review status: criteria provided, single submitter. Criteria: Ambry Variant Classification Scheme 2023. Collection method: clinical testing. Allele origin: germline.
Comment: The c.2921_2922delACinsGA variant, located in coding exon 10 of the BRCA2 gene, results from an in-frame deletion of AC and insertion of GA at nucleotide positions 2921 to 2922. This results in the substitution of the aspartic acid residue for a glycine residue at codon 974, an amino acid with similar properties. This amino acid position is not well conserved in available vertebrate species. In addition, the in silico prediction for this alteration is inconclusive (Choi Y et al. PLoS ONE. 2012; 7(10):e46688). Based on the available evidence, the clinical significance of this variant remains unclear.

NM_000059.4(BRCA2):c.2921_2922delinsGA (p.Asp974Gly)

Gene: BRCA2 (BRCA2 DNA repair associated; plus strand). Cytogenetic location: 13q13.1.
Variant type: Indel.
Coding change: c.2921_2922delinsGA on transcript NM_000059.4 (MANE Select); coding-DNA positions 2921 to 2922, AC replaced by GA.
Protein change: p.Asp974Gly; replaces aspartic acid 974 with glycine.
Molecular consequence: missense variant. On other transcripts: non-coding transcript variant (1), intron variant (2).
Genome position (GRCh38, 1-based): chr13:32,337,276-32,337,277, AC replaced by GA. VCF-style: chr13-32337276-AC-GA. GRCh37 (hg19) VCF-style: chr13-32911413-AC-GA.
Other names: c.2921_2922delinsGA, p.Asp974Gly (NM_001406719.1, NM_001406720.1, NM_001432077.1); c.1909+3889_1909+3890delinsGA (NM_001406721.1); c.424+6246_424+6247delinsGA (NM_001406722.1); short protein forms D974G.
Identifiers: ClinVar variation 3482131 (VCV003482131.1).